The following is an entry in ClinVar:

ClinVar aggregate classification (germline): Uncertain significance. Review status: criteria provided, multiple submitters, no conflicts (2 of 4 stars). 2 submissions from 2 submitters: Uncertain significance (2). Last evaluated 2025-09-11.

gnomAD v4.1: 10 of 1,098,819 alleles (0.00091%); highest among the groups gnomAD compares: Non-Finnish European, 0.0012%; no homozygotes.

Submissions (2):

Women's Health and Genetics/Laboratory Corporation of America, LabCorp
Classification: Uncertain significance. Last evaluated: 2025-09-11. Review status: criteria provided, single submitter. Criteria: LabCorp Variant Classification Summary - May 2015. Collection method: clinical testing. Allele origin: germline.
Comment: Variant summary: SLC9A7 c.688A>G (p.Met230Val) results in a conservative amino acid change in the encoded protein sequence. Algorithms developed to predict the effect of missense changes on protein structure and function are either unavailable or do not agree on the potential impact of this missense change. The variant allele was found at a frequency of 6.8e-06 in 146216 control chromosomes. The available data on variant occurrences in the general population are insufficient to allow any conclusion about variant significance. To our knowledge, no occurrence of c.688A>G in individuals affected with SLC9A7-related conditions and no experimental evidence demonstrating its impact on protein function have been reported. ClinVar contains an entry for this variant (Variation ID: 3798418). Based on the evidence outlined above, the variant was classified as uncertain significance.

Ambry Genetics
Classification: Uncertain significance. Last evaluated: 2025-01-23. Review status: criteria provided, single submitter. Criteria: Ambry Variant Classification Scheme 2023. Collection method: clinical testing. Allele origin: germline.

NM_001257291.2(SLC9A7):c.688A>G (p.Met230Val)

Gene: SLC9A7 (solute carrier family 9 member A7; minus strand). Cytogenetic location: Xp11.3.
Variant type: single nucleotide variant.
Coding change: c.688A>G on transcript NM_001257291.2 (MANE Select); coding-DNA position 688, A replaced by G.
Protein change: p.Met230Val; replaces methionine 230 with valine.
Molecular consequence: missense variant.
Genome position (GRCh38, 1-based): chrX:46,669,712, T>C on the plus strand (A>G on the coding strand, the complement: SLC9A7 is on the minus strand). VCF-style: chrX-46669712-T-C. GRCh37 (hg19) VCF-style: chrX-46529147-T-C.
Other names: c.688A>G, p.Met230Val (NM_032591.3); short protein forms M230V.
Identifiers: ClinVar variation 3798418 (VCV003798418.2).
Genomic context (GRCh38, chrX:46,669,712, plus strand): 5'-TGTAGTAAAATTTATCTGAGAGCTGTCCCATAATCTTCATGAGCTTCACCACACCATACA[T>C]GAGATTTCTGTAAGAAGGTAAGGTAAACTATGTCAGGAGAAAAAAATAAGTAACTTAGCA-3'
Protein context (NP_001244220.1, residues 220-240): AVSCFIIGNL[Met230Val]YGVVKLMKIM